The following is an entry in ClinVar:

ClinVar aggregate classification (germline): Uncertain significance. Review status: criteria provided, multiple submitters, no conflicts (2 of 4 stars). 5 submissions from 5 submitters: Uncertain significance (5). Last evaluated 2025-11-13.

Conditions:
Hereditary cancer-predisposing syndrome. Also called: Hereditary neoplastic syndrome; Neoplastic Syndromes, Hereditary; Tumor predisposition; Hereditary Cancer Syndrome. Identifiers: Orphanet 140162, MedGen C0027672, MeSH D009386, MONDO:0015356.
Familial ovarian cancer. Identifiers: MedGen C5679802, MONDO:0016248.
Familial cancer of breast. Also called: Hereditary breast cancer; hereditary breast carcinoma; BREAST CANCER, FAMILIAL. Identifiers: Orphanet 227535, MedGen C0346153, MONDO:0016419, OMIM 114480. Disease mechanism: loss of function.
Fanconi anemia complementation group J. Also called: BRIP1-Related Fanconi Anemia. Identifiers: Orphanet 84, MedGen C1836860, MONDO:0012187, OMIM 609054.

Submissions (5):

Labcorp Genetics (formerly Invitae), Labcorp
Classification: Uncertain significance for Familial cancer of breast; Fanconi anemia complementation group J. Last evaluated: 2025-11-13. Review status: criteria provided, single submitter. Criteria: Invitae Variant Classification Sherloc (09022015). Collection method: clinical testing. Allele origin: germline.
Comment: This sequence change affects codon 699 of the BRIP1 mRNA. It is a 'silent' change, meaning that it does not change the encoded amino acid sequence of the BRIP1 protein. This variant also falls at the last nucleotide of exon 14, which is part of the consensus splice site for this exon. This variant is not present in population databases (gnomAD no frequency). This variant has not been reported in the literature in individuals affected with BRIP1-related conditions. ClinVar contains an entry for this variant (Variation ID: 407829). Variants that disrupt the consensus splice site are a relatively common cause of aberrant splicing (PMID: 17576681, 9536098). Studies have shown that this variant is associated with altered splicing resulting in multiple RNA products (internal data). In summary, the available evidence is currently insufficient to determine the role of this variant in disease. Therefore, it has been classified as a Variant of Uncertain Significance.

Ambry Genetics
Classification: Uncertain significance for Hereditary cancer-predisposing syndrome. Last evaluated: 2025-07-10. Review status: criteria provided, single submitter. Criteria: Ambry Variant Classification Scheme 2023. Collection method: clinical testing. Allele origin: germline.
Comment: The c.2097G>A variant (also known as p.K699K), located in coding exon 13 of the BRIP1 gene. This variant results from a G to A substitution at nucleotide position 2097. This nucleotide substitution does not change the lysine at codon 699. However, this change occurs in the last base pair of coding exon 13, which makes it likely to have some effect on normal mRNA splicing. This nucleotide position is highly conserved in available vertebrate species. In silico splice site analysis predicts that this alteration may weaken the native splice donor site. RNA studies have demonstrated that this alteration results in an incomplete splice defect; the clinical impact of this abnormal splicing is unknown at this time (Ambry internal data). Based on the available evidence, the clinical significance of this variant remains unclear.

Department of Pathology and Laboratory Medicine, Sinai Health System
Classification: Uncertain significance for familial ovarian cancer. Last evaluated: 2022-11-30. Review status: criteria provided, single submitter. Criteria: ACMG Guidelines, 2015. Collection method: clinical testing. Allele origin: germline. Affected: no.

Institute for Clinical Genetics, University Hospital TU Dresden, University Hospital TU Dresden
Classification: Uncertain significance. Last evaluated: 2021-11-03. Review status: criteria provided, single submitter. Criteria: ACMG Guidelines, 2015. Collection method: clinical testing. Allele origin: germline.

Women's Health and Genetics/Laboratory Corporation of America, LabCorp
Classification: Uncertain significance. Last evaluated: 2021-09-02. Review status: criteria provided, single submitter. Criteria: LabCorp Variant Classification Summary - May 2015. Collection method: clinical testing. Allele origin: germline.
Comment: Variant summary: BRIP1 c.2097G>A (p.Lys699Lys) alters a conserved nucleotide located close to a canonical splice site and therefore could affect mRNA splicing, leading to a significantly altered protein sequence. Several computational tools predict a significant impact on normal splicing: two predict the variant weakens a 5 prime donor site. However, these predictions have yet to be confirmed by functional studies. The variant was absent in 251276 control chromosomes. The available data on variant occurrences in the general population are insufficient to allow any conclusion about variant significance. To our knowledge, no occurrence of c.2097G>A in individuals affected with Hereditary Breast And Ovarian Cancer Syndrome and no experimental evidence demonstrating its impact on protein function have been reported. Two clinical diagnostic laboratories have submitted clinical-significance assessments for this variant to ClinVar after 2014 without evidence for independent evaluation. Both laboratories classified the variant as uncertain significance. Based on the evidence outlined above, the variant was classified as uncertain significance.

Literature cited by the submitters: PubMed 17576681 (cited by Labcorp Genetics (formerly Invitae), Labcorp); PubMed 9536098 (cited by Labcorp Genetics (formerly Invitae), Labcorp).

NM_032043.3(BRIP1):c.2097G>A (p.Lys699=)

Gene: BRIP1 (BRCA1 interacting DNA helicase 1; minus strand). Cytogenetic location: 17q23.2.
Variant type: single nucleotide variant.
Coding change: c.2097G>A on transcript NM_032043.3 (MANE Select); coding-DNA position 2097, G replaced by A.
Protein change: p.Lys699=; no amino-acid change (lysine 699 retained).
Molecular consequence: synonymous variant.
Genome position (GRCh38, 1-based): chr17:61,776,401, C>T on the plus strand (G>A on the coding strand, the complement: BRIP1 is on the minus strand). VCF-style: chr17-61776401-C-T. GRCh37 (hg19) VCF-style: chr17-59853762-C-T.
Identifiers: ClinVar variation 407829 (VCV000407829.19), dbSNP rs1060501754, ClinGen allele CA16615837.